The following is an entry in ClinVar:

ClinVar aggregate classification (germline): Uncertain significance. Review status: criteria provided, multiple submitters, no conflicts (2 of 4 stars). 2 submissions from 2 submitters: Uncertain significance (2). Last evaluated 2025-01-15.

Allele frequency attached by ClinVar (database versions not stated): TOPMed 0.00001.

Submissions (2):

Labcorp Genetics (formerly Invitae), Labcorp
Classification: Uncertain significance. Last evaluated: 2025-01-15. Review status: criteria provided, single submitter. Criteria: Invitae Variant Classification Sherloc (09022015). Collection method: clinical testing. Allele origin: germline.
Comment: This sequence change creates a premature translational stop signal (p.Arg2608Lysfs*10) in the ATR gene. While this is not anticipated to result in nonsense mediated decay, it is expected to disrupt the last 37 amino acid(s) of the ATR protein. This variant is not present in population databases (gnomAD no frequency). This variant has not been reported in the literature in individuals affected with ATR-related conditions. ClinVar contains an entry for this variant (Variation ID: 2062704). Experimental studies and prediction algorithms are not available or were not evaluated, and the functional significance of this variant is currently unknown. In summary, the available evidence is currently insufficient to determine the role of this variant in disease. Therefore, it has been classified as a Variant of Uncertain Significance.

Women's Health and Genetics/Laboratory Corporation of America, LabCorp
Classification: Uncertain significance. Last evaluated: 2024-04-15. Review status: criteria provided, single submitter. Criteria: LabCorp Variant Classification Summary - May 2015. Collection method: clinical testing. Allele origin: germline.
Comment: Variant summary: ATR c.7822dupA (p.Arg2608LysfsX10) results in a premature termination codon, predicted to cause a truncation of the protein. No downtream truncating/missense/in-frame variants have been associated with disease yet. The variant was absent in 251396 control chromosomes. The available data on variant occurrences in the general population are insufficient to allow any conclusion about variant significance. To our knowledge, no occurrence of c.7822dupA in individuals affected with ATR-related diseases and no experimental evidence demonstrating its impact on protein function have been reported. ClinVar contains an entry for this variant (Variation ID: 2062704). Based on the evidence outlined above, the variant was classified as uncertain significance.

NM_001184.4(ATR):c.7822dup (p.Arg2608fs)

Gene: ATR (ATR checkpoint kinase; minus strand). Cytogenetic location: 3q23.
Variant type: Duplication.
Coding change: c.7822dup on transcript NM_001184.4 (MANE Select); coding-DNA position 7822, one base duplicated (A; older notation c.7822dupA).
Protein change: p.Arg2608fs; shifts the reading frame from arginine 2608.
Molecular consequence: frameshift variant.
Genome position (GRCh38, 1-based): chr3:142,449,542, T duplicated on the plus strand (A on the coding strand, the reverse complement: ATR is on the minus strand). VCF-style (leftmost placement, unchanged base first): chr3-142449541-C-CT. GRCh37 (hg19) VCF-style: chr3-142168383-C-CT.
Other names: c.7822dupA (NM_001184.4); c.7630dup, p.Arg2544fs (NM_001354579.2); short protein forms R2544fs, R2608fs.
Identifiers: ClinVar variation 2062704 (VCV002062704.5), dbSNP rs2070733062, ClinGen allele CA1406977955.